The following is an entry in ClinVar:

ClinVar aggregate classification (germline): Uncertain significance. Review status: criteria provided, multiple submitters, no conflicts (2 of 4 stars). 3 submissions from 3 submitters: Uncertain significance (3). Last evaluated 2025-12-17.

Conditions:
Gorlin syndrome. Also called: Basal cell nevus syndrome; Nevoid Basal Cell Carcinoma Syndrome. Identifiers: Orphanet 377, MedGen C0004779, MONDO:0007187.
Medulloblastoma (MDB). Also called: MEDULLOBLASTOMA PREDISPOSITION SYNDROME; Medulloblastoma, somatic. Identifiers: Orphanet 616, MedGen C0025149, MeSH D008527, MONDO:0007959, OMIM 155255, HP:0002885.
Hereditary cancer-predisposing syndrome. Also called: Neoplastic Syndromes, Hereditary; Hereditary Cancer Syndrome; Hereditary neoplastic syndrome; Tumor predisposition. Identifiers: Orphanet 140162, MedGen C0027672, MeSH D009386, MONDO:0015356.

Allele frequency attached by ClinVar (database versions not stated): gnomAD exomes below 0.00001.
gnomAD v4.1: 5 of 1,614,096 alleles (0.00031%); highest among the groups gnomAD compares: Non-Finnish European, 0.00042%; no homozygotes.

Submissions (3):

Labcorp Genetics (formerly Invitae), Labcorp
Classification: Uncertain significance for Gorlin syndrome; Medulloblastoma. Last evaluated: 2025-12-17. Review status: criteria provided, single submitter. Criteria: Invitae Variant Classification Sherloc (09022015). Collection method: clinical testing. Allele origin: germline.
Comment: This sequence change replaces proline, which is neutral and non-polar, with leucine, which is neutral and non-polar, at codon 382 of the SUFU protein (p.Pro382Leu). This variant is present in population databases (no rsID available, gnomAD 0.0009%). This variant has not been reported in the literature in individuals affected with SUFU-related conditions. ClinVar contains an entry for this variant (Variation ID: 644637). Invitae Evidence Modeling of protein sequence and biophysical properties (such as structural, functional, and spatial information, amino acid conservation, physicochemical variation, residue mobility, and thermodynamic stability) indicates that this missense variant is not expected to disrupt SUFU protein function with a negative predictive value of 80%. In summary, the available evidence is currently insufficient to determine the role of this variant in disease. Therefore, it has been classified as a Variant of Uncertain Significance.

GeneDx
Classification: Uncertain significance. Last evaluated: 2024-08-08. Review status: criteria provided, single submitter. Criteria: GeneDx Variant Classification Process June 2021. Collection method: clinical testing. Allele origin: germline. Affected: yes.
Comment: Not observed at significant frequency in large population cohorts (gnomAD); In silico analysis supports that this missense variant has a deleterious effect on protein structure/function; Has not been previously published as pathogenic or benign to our knowledge

Ambry Genetics
Classification: Uncertain significance for Hereditary cancer-predisposing syndrome. Last evaluated: 2024-03-02. Review status: criteria provided, single submitter. Criteria: Ambry Variant Classification Scheme 2023. Collection method: clinical testing. Allele origin: germline.
Comment: The p.P382L variant (also known as c.1145C>T), located in coding exon 9 of the SUFU gene, results from a C to T substitution at nucleotide position 1145. The proline at codon 382 is replaced by leucine, an amino acid with similar properties. This amino acid position is highly conserved in available vertebrate species. In addition, the in silico prediction for this alteration is inconclusive. Since supporting evidence is limited at this time, the clinical significance of this alteration remains unclear.

NM_016169.4(SUFU):c.1145C>T (p.Pro382Leu)

Gene: SUFU (SUFU negative regulator of hedgehog signaling; plus strand). Cytogenetic location: 10q24.32.
Variant type: single nucleotide variant.
Coding change: c.1145C>T on transcript NM_016169.4 (MANE Select); coding-DNA position 1145, C replaced by T.
Protein change: p.Pro382Leu; replaces proline 382 with leucine.
Molecular consequence: missense variant.
Genome position (GRCh38, 1-based): chr10:102,615,390, C>T. VCF-style: chr10-102615390-C-T. GRCh37 (hg19) VCF-style: chr10-104375147-C-T.
Other names: c.1145C>T, p.Pro382Leu (NM_001178133.2); short protein forms P382L.
Identifiers: ClinVar variation 644637 (VCV000644637.12), dbSNP rs1401882800, ClinGen allele CA377914545.